The following is an entry in ClinVar:

ClinVar aggregate classification (germline): Pathogenic (1 of 4 stars; one submission).

Conditions:
Microcephaly, normal intelligence and immunodeficiency (NBS). Also called: IMMUNODEFICIENCY, MICROCEPHALY, AND CHROMOSOMAL INSTABILITY; SEEMANOVA SYNDROME II; Nijmegen breakage syndrome; Microcephaly with normal intelligence immunodeficiency and lymphoreticular malignancies; Nonsyndromal microcephaly autosomal recessive with normal intelligence; Seemanova syndrome 2. Identifiers: Orphanet 647, MedGen C0398791, MONDO:0009623, OMIM 251260.

Submission:

Myriad Genetics, Inc.
Classification: Pathogenic for Microcephaly, normal intelligence and immunodeficiency. Last evaluated: 2025-01-24. Review status: criteria provided, single submitter. Criteria: Myriad Autosomal Dominant, Autosomal Recessive and X-Linked Classification Criteria (2023). Collection method: clinical testing. Allele origin: unknown.
Comment: NM_002485.4(NBN):c.1423dupA(M475Nfs*30) is expected to be pathogenic in the context of Nijmegen breakage syndrome. This variant is predicted to lead to an abnormal or absent protein product due to the creation of a premature termination codon in NBN, a gene where loss-of-function variants are known to be pathogenic. Please note: this variant was assessed in the context of healthy population screening.

NM_002485.5(NBN):c.1423dup (p.Met475fs)

Gene: NBN (nibrin; minus strand). Cytogenetic location: 8q21.3.
Variant type: Duplication.
Coding change: c.1423dup on transcript NM_002485.5 (MANE Select); coding-DNA position 1423, one base duplicated (A; older notation c.1423dupA).
Protein change: p.Met475fs; shifts the reading frame from methionine 475.
Molecular consequence: frameshift variant.
Genome position (GRCh38, 1-based): chr8:89,953,666, T duplicated on the plus strand (A on the coding strand, the reverse complement: NBN is on the minus strand); the first of 3 consecutive T bases (chr8:89,953,666-89,953,668); duplicating any one gives the same sequence. VCF-style (leftmost placement, unchanged base first): chr8-89953665-A-AT. GRCh37 (hg19) VCF-style: chr8-90965893-A-AT.
Other names: c.1177dup, p.Met393fs (NM_001024688.3, NM_001440379.1, NM_001440380.1); short protein forms M393fs, M475fs.
Identifiers: ClinVar variation 5014014 (VCV005014014.1).
Genomic context (GRCh38, chr8:89,953,665, plus strand): 5'-GGTTGTGTTTGTTCTAAAAGAGAACAAGACGTTTCTATTCTTGCTGATTTGCATGAAGAC[A>AT]TTTCTTGATTTTCTTCATCCCTTTCCCTTAGATTTAAAAAAAAAGAAGAAAACAAAACAA-3'